The following is an entry in ClinVar:

ClinVar aggregate classification (germline): Uncertain significance (1 of 4 stars; one submission).

Conditions:
Cardiomyopathy (CMYO). Also called: Cardiomyopathies. Identifiers: Orphanet 167848, MedGen C0878544, MONDO:0004994, HP:0001638. Inheritance: Various modes of inheritance.

Submission:

Color Diagnostics, LLC DBA Color Health
Classification: Uncertain significance for Cardiomyopathy. Last evaluated: 2024-05-05. Review status: criteria provided, single submitter. Criteria: ACMG Guidelines, 2015. Collection method: clinical testing. Allele origin: germline.
Comment: This variant inserts 1 nucleotide in exon 27 of the MYH7 gene, creating a frameshift and premature translation stop signal. This variant is expected to result in an absent or non-functional protein product. To our knowledge, this variant has not been reported in individuals affected with MYH7-related disorders in the literature. This variant has not been identified in the general population by the Genome Aggregation Database (gnomAD). Clinical relevance of loss-of-function MYH7 truncation variants in autosomal dominant cardiovascular disorders is not clearly established. The available evidence is insufficient to determine the role of this variant in disease conclusively. Therefore, this variant is classified as a Variant of Uncertain Significance.

NM_000257.4(MYH7):c.3571_3572insT (p.Ala1191fs)

Gene: MYH7 (myosin heavy chain 7; minus strand). Cytogenetic location: 14q11.2.
Variant type: Insertion.
Coding change: c.3571_3572insT on transcript NM_000257.4 (MANE Select); coding-DNA positions 3571 to 3572, T inserted.
Protein change: p.Ala1191fs; shifts the reading frame from alanine 1191.
Molecular consequence: frameshift variant.
Genome position: GRCh38 VCF-style: chr14-23419999-G-GA. GRCh37 (hg19) VCF-style: chr14-23889208-G-GA.
Other names: c.3571_3572insT, p.Ala1191fs (NM_001407004.1); short protein forms A1191fs.
Identifiers: ClinVar variation 3893823 (VCV003893823.1).